The following is an entry in ClinVar:

ClinVar aggregate classification (germline): Benign. Review status: criteria provided, multiple submitters, no conflicts (2 of 4 stars). 12 submissions from 12 submitters: Benign (9). 3 of the submissions do not count toward it. Last evaluated 2026-02-03.

Conditions:
Isolated Nonsyndromic Congenital Heart Disease.
Cardiovascular phenotype. Identifiers: MedGen CN230736.
Alagille syndrome due to a JAG1 point mutation. Also called: HEPATIC DUCTULAR HYPOPLASIA, SYNDROMATIC; Alagille Syndrome 1; JAG1-Related Alagille Syndrome. Identifiers: Orphanet 261619, Orphanet 52, MedGen C1956125, MONDO:0016862, OMIM 118450.

Allele frequency attached by ClinVar (database versions not stated): ESP Exome Variant Server 0.07550; TOPMed 0.08328; gnomAD 0.08364 and 0.08777; 1000 Genomes Project 30x 0.09869; 1000 Genomes Project 0.10084; gnomAD exomes 0.10336 and 0.11107; ExAC 0.10945.
gnomAD v4.1: 164,137 of 1,613,222 alleles (10%); highest among the groups gnomAD compares: South Asian, 20%; 9,394 homozygotes.

Submissions (12):

Labcorp Genetics (formerly Invitae), Labcorp
Classification: Benign for Alagille syndrome due to a JAG1 point mutation. Last evaluated: 2026-02-03. Review status: criteria provided, single submitter. Criteria: Invitae Variant Classification Sherloc (09022015). Collection method: clinical testing. Allele origin: germline.

Blueprint Genetics
Classification: Benign. Last evaluated: 2024-11-28. Review status: criteria provided, single submitter. Criteria: ACMG Guidelines, 2015. Collection method: clinical testing. Allele origin: germline.

Women's Health and Genetics/Laboratory Corporation of America, LabCorp
Classification: Benign. Last evaluated: 2023-04-10. Review status: criteria provided, single submitter. Criteria: LabCorp Variant Classification Summary - May 2015. Collection method: clinical testing. Allele origin: germline.

Mayo Clinic Laboratories, Mayo Clinic
Classification: Benign. Last evaluated: 2022-05-05. Review status: criteria provided, single submitter. Criteria: ACMG Guidelines, 2015. Collection method: clinical testing. Allele origin: germline. Observed: 172 variant alleles.

Illumina Laboratory Services, Illumina
Classification: Benign for Isolated Nonsyndromic Congenital Heart Disease. Last evaluated: 2018-01-13. Review status: criteria provided, single submitter. Criteria: ICSL Variant Classification Criteria 13 December 2019. Collection method: clinical testing. Allele origin: germline.
Comment: This variant was observed in the ICSL laboratory as part of a predisposition screen in an ostensibly healthy population. It had not been previously curated by ICSL or reported in the Human Gene Mutation Database (HGMD: prior to June 1st, 2018), and was therefore a candidate for classification through an automated scoring system. Utilizing variant allele frequency, disease prevalence and penetrance estimates, and inheritance mode, an automated score was calculated to assess if this variant is too frequent to cause the disease. Based on the score and internal cut-off values, a variant classified as benign is not then subjected to further curation. The score for this variant resulted in a classification of benign for this disease.

Ambry Genetics
Classification: Benign for Cardiovascular phenotype. Last evaluated: 2015-06-29. Review status: criteria provided, single submitter. Criteria: Ambry Variant Classification Scheme 2023. Collection method: clinical testing. Allele origin: germline.

Laboratory for Molecular Medicine, Mass General Brigham Personalized Medicine
Classification: Benign. Last evaluated: 2010-09-03. Review status: criteria provided, single submitter. Criteria: LMM Criteria. Collection method: clinical testing. Allele origin: germline. Observed: 11 variant alleles.

Breakthrough Genomics
Classification: Benign. Review status: criteria provided, single submitter. Criteria: ACMG Guidelines, 2015. Collection method: not provided. Allele origin: germline. Inheritance: Autosomal dominant inheritance. Affected: yes.

PreventionGenetics, part of Exact Sciences
Classification: Benign. Review status: criteria provided, single submitter. Criteria: ACMG Guidelines, 2015. Collection method: clinical testing. Allele origin: germline.

Clinical Genetics DNA and cytogenetics Diagnostics Lab, Erasmus MC, Erasmus Medical Center
Classification: Benign. Review status: no assertion criteria provided. Collection method: clinical testing. Allele origin: germline. Affected: yes. Study: VKGL Data-share Consensus. Not counted in ClinVar's aggregate classification.

Clinical Genetics, Academic Medical Center
Classification: Benign. Review status: no assertion criteria provided. Collection method: clinical testing. Allele origin: germline. Affected: yes. Study: VKGL Data-share Consensus. Not counted in ClinVar's aggregate classification.

Joint Genome Diagnostic Labs from Nijmegen and Maastricht, Radboudumc and MUMC+
Classification: Likely benign. Review status: no assertion criteria provided. Collection method: clinical testing. Allele origin: germline. Affected: yes. Study: VKGL Data-share Consensus. Not counted in ClinVar's aggregate classification.

NM_000214.3(JAG1):c.2214A>C (p.Thr738=)

Gene: JAG1 (jagged canonical Notch ligand 1; minus strand). Cytogenetic location: 20p12.2.
Variant type: single nucleotide variant.
Coding change: c.2214A>C on transcript NM_000214.3 (MANE Select); coding-DNA position 2214, A replaced by C.
Protein change: p.Thr738=; no amino-acid change (threonine 738 retained).
Molecular consequence: synonymous variant.
Genome position (GRCh38, 1-based): chr20:10,645,156, T>G on the plus strand (A>C on the coding strand, the complement: JAG1 is on the minus strand). VCF-style: chr20-10645156-T-G. GRCh37 (hg19) VCF-style: chr20-10625804-T-G.
Other names: p.Thr738=.
Identifiers: ClinVar variation 42473 (VCV000042473.30), dbSNP rs1801140, ClinGen allele CA282303.